The following is an entry in ClinVar:

ClinVar aggregate classification (germline): Uncertain significance (1 of 4 stars; one submission).

gnomAD v4.1: 4 of 1,613,706 alleles (0.00025%); highest among the groups gnomAD compares: Non-Finnish European, 0.00034%; no homozygotes.

Submission:

Ambry Genetics
Classification: Uncertain significance. Last evaluated: 2024-04-10. Review status: criteria provided, single submitter. Criteria: Ambry Variant Classification Scheme 2023. Collection method: clinical testing. Allele origin: germline.
Comment: The p.I1213M variant (also known as c.3639A>G), located in coding exon 16 of the POLQ gene, results from an A to G substitution at nucleotide position 3639. The isoleucine at codon 1213 is replaced by methionine, an amino acid with highly similar properties. This amino acid position is conserved. In addition, this alteration is predicted to be tolerated by in silico analysis. Based on the available evidence, the clinical significance of this variant remains unclear.

NM_199420.4(POLQ):c.3639A>G (p.Ile1213Met)

Gene: POLQ (DNA polymerase theta; minus strand). Cytogenetic location: 3q13.33.
Variant type: single nucleotide variant.
Coding change: c.3639A>G on transcript NM_199420.4 (MANE Select); coding-DNA position 3639, A replaced by G.
Protein change: p.Ile1213Met; replaces isoleucine 1213 with methionine.
Molecular consequence: missense variant.
Genome position (GRCh38, 1-based): chr3:121,489,292, T>C on the plus strand (A>G on the coding strand, the complement: POLQ is on the minus strand). VCF-style: chr3-121489292-T-C. GRCh37 (hg19) VCF-style: chr3-121208139-T-C.
Other names: short protein forms I1213M.
Identifiers: ClinVar variation 3308498 (VCV003308498.1).